The following is an entry in ClinVar:

NM_013275.6(ANKRD11):c.6620C>T (p.Pro2207Leu)

Gene: ANKRD11 (ankyrin repeat domain 11; minus strand). Cytogenetic location: 16q24.3.
Variant type: single nucleotide variant.
Coding change: c.6620C>T on transcript NM_013275.6 (MANE Select); coding-DNA position 6620, C replaced by T.
Protein change: p.Pro2207Leu; replaces proline 2207 with leucine.
Molecular consequence: missense variant.
Genome position (GRCh38, 1-based): chr16:89,279,922, G>A on the plus strand (C>T on the coding strand, the complement: ANKRD11 is on the minus strand). VCF-style: chr16-89279922-G-A. GRCh37 (hg19) VCF-style: chr16-89346330-G-A.
Other names: c.6620C>T, p.Pro2207Leu (NM_001256182.2, NM_001256183.2); short protein forms P2207L.
Identifiers: ClinVar variation 2513317 (VCV002513317.3), dbSNP rs771395581, ClinGen allele CA8241381.

ClinVar aggregate classification (germline): Conflicting classifications of pathogenicity. Review status: criteria provided, conflicting classifications (1 of 4 stars). 2 submissions from 2 submitters: Uncertain significance (1); Likely benign (1). Last evaluated 2026-04-13.

Conditions:
KBG syndrome (KBGS). Also called: ANKRD11-Related KBG Syndrome. Identifiers: Orphanet 2332, MedGen C0220687, MONDO:0007846, OMIM 148050.
Inborn genetic diseases. Identifiers: MedGen C0950123, MeSH D030342.

Allele frequency attached by ClinVar (database versions not stated): ExAC 0.00002; gnomAD 0.00002.
gnomAD v4.1: 16 of 1,609,878 alleles (0.00099%); highest among the groups gnomAD compares: African/African-American, 0.0093%; no homozygotes.

Submissions (2):

Centre for Medical Genetics,  Mumbai
Classification: Likely benign for KBG syndrome. Last evaluated: 2026-04-13. Review status: criteria provided, single submitter. Criteria: ACMG Guidelines, 2015. Collection method: provider interpretation. Allele origin: germline. Inheritance: Autosomal dominant inheritance. Affected: no. Observed: 1 variant allele, 1 heterozygote.
Comment: The variant satisfies PM2 criteria - extremely low frequency in gnomAD population databases. The variant satisfies BP4 criteria - for a missense or a splice region variant, computational prediction tools unanimously support a benign effect on the gene. However, the variant satisfies BS2 criteria - present in heterozygous state in an individual that clinically does not have KBG syndrome.

Ambry Genetics
Classification: Uncertain significance for Inborn genetic diseases. Last evaluated: 2023-04-04. Review status: criteria provided, single submitter. Criteria: Ambry Variant Classification Scheme 2023. Collection method: clinical testing. Allele origin: germline.

Literature cited by the submitters: PubMed 15378538 (cited by Centre for Medical Genetics,  Mumbai).